The following is an entry in ClinVar:

ClinVar aggregate classification (germline): Pathogenic (1 of 4 stars; one submission).

Submission:

Labcorp Genetics (formerly Invitae), Labcorp
Classification: Pathogenic. Last evaluated: 2021-05-19. Review status: criteria provided, single submitter. Criteria: Invitae Variant Classification Sherloc (09022015). Collection method: clinical testing. Allele origin: germline.
Comment: For these reasons, this variant has been classified as Pathogenic. This variant disrupts the C-terminus of the ASXL1 protein. Other variant(s) that disrupt this region (p.Glu1400*) have been determined to be pathogenic (PMID: 31969346). This suggests that variants that disrupt this region of the protein are likely to be causative of disease. Algorithms developed to predict the effect of sequence changes on RNA splicing suggest that this variant may create or strengthen a splice site, but this prediction has not been confirmed by published transcriptional studies. This variant has not been reported in the literature in individuals with ASXL1-related conditions. This variant is not present in population databases (ExAC no frequency). This sequence change creates a premature translational stop signal (p.Ala716Argfs*6) in the ASXL1 gene. While this is not anticipated to result in nonsense mediated decay, it is expected to disrupt the last 825 amino acid(s) of the ASXL1 protein.

Literature cited by the submitters: PubMed 31969346.

NM_015338.6(ASXL1):c.2145_2154del (p.Ala716fs)

Gene: ASXL1 (ASXL transcriptional regulator 1; plus strand). Cytogenetic location: 20q11.21.
Variant type: Deletion.
Coding change: c.2145_2154del on transcript NM_015338.6 (MANE Select); coding-DNA positions 2145 to 2154, 10 bases deleted (AGCTAGGAGA; older notation c.2145_2154delAGCTAGGAGA).
Protein change: p.Ala716fs; shifts the reading frame from alanine 716.
Molecular consequence: frameshift variant.
Genome position (GRCh38, 1-based): chr20:32,434,857-32,434,866, AGCTAGGAGA deleted. VCF-style (leftmost placement, unchanged base first): chr20-32434856-GAGCTAGGAGA-G. GRCh37 (hg19) VCF-style: chr20-31022659-GAGCTAGGAGA-G.
Other names: c.1962_1971del, p.Ala655fs (NM_001363734.1); short protein forms A655fs, A716fs.
Identifiers: ClinVar variation 1354428 (VCV001354428.8), dbSNP rs2145364074, ClinGen allele CA2573156974.